The following is an entry in ClinVar:

NM_014795.4(ZEB2):c.2899G>A (p.Asp967Asn)

Gene: ZEB2 (zinc finger E-box binding homeobox 2; minus strand). Cytogenetic location: 2q22.3.
Variant type: single nucleotide variant.
Coding change: c.2899G>A on transcript NM_014795.4 (MANE Select); coding-DNA position 2899, G replaced by A.
Protein change: p.Asp967Asn; replaces aspartic acid 967 with asparagine.
Molecular consequence: missense variant.
Genome position (GRCh38, 1-based): chr2:144,396,580, C>T on the plus strand (G>A on the coding strand, the complement: ZEB2 is on the minus strand). VCF-style: chr2-144396580-C-T. GRCh37 (hg19) VCF-style: chr2-145154147-C-T.
Other names: c.2827G>A, p.Asp943Asn (NM_001171653.2); short protein forms D943N, D967N.
Identifiers: ClinVar variation 1486847 (VCV001486847.9), dbSNP rs1703232514, ClinGen allele CA348704928.

ClinVar aggregate classification (germline): Uncertain significance. Review status: criteria provided, multiple submitters, no conflicts (2 of 4 stars). 2 submissions from 2 submitters: Uncertain significance (2). Last evaluated 2024-05-18.

Conditions:
Mowat-Wilson syndrome (MOWS). Also called: Classic Mowat-Wilson Syndrome. Identifiers: Orphanet 2152, MedGen C1856113, MONDO:0009341, OMIM 235730.

Submissions (2):

Labcorp Genetics (formerly Invitae), Labcorp
Classification: Uncertain significance for Mowat-Wilson syndrome. Last evaluated: 2024-05-18. Review status: criteria provided, single submitter. Criteria: Invitae Variant Classification Sherloc (09022015). Collection method: clinical testing. Allele origin: germline.
Comment: This sequence change replaces aspartic acid, which is acidic and polar, with asparagine, which is neutral and polar, at codon 967 of the ZEB2 protein (p.Asp967Asn). This variant is not present in population databases (gnomAD no frequency). This variant has not been reported in the literature in individuals affected with ZEB2-related conditions. ClinVar contains an entry for this variant (Variation ID: 1486847). Advanced modeling of protein sequence and biophysical properties (such as structural, functional, and spatial information, amino acid conservation, physicochemical variation, residue mobility, and thermodynamic stability) has been performed at Invitae for this missense variant, however the output from this modeling did not meet the statistical confidence thresholds required to predict the impact of this variant on ZEB2 protein function. In summary, the available evidence is currently insufficient to determine the role of this variant in disease. Therefore, it has been classified as a Variant of Uncertain Significance.

GeneDx
Classification: Uncertain significance. Last evaluated: 2022-05-16. Review status: criteria provided, single submitter. Criteria: GeneDx Variant Classification Process June 2021. Collection method: clinical testing. Allele origin: germline. Affected: yes.
Comment: Not observed at significant frequency in large population cohorts (gnomAD); In silico analysis supports that this missense variant does not alter protein structure/function; Has not been previously published as pathogenic or benign to our knowledge